The following is an entry in ClinVar:

NM_001042492.3(NF1):c.8161-3C>G

Gene: NF1 (neurofibromin 1; plus strand). Cytogenetic location: 17q11.2.
Variant type: single nucleotide variant.
Coding change: c.8161-3C>G on transcript NM_001042492.3 (MANE Select); 3 bases into the intron before coding-DNA position 8161, C replaced by G.
Molecular consequence: intron variant.
Genome position (GRCh38, 1-based): chr17:31,360,484, C>G. VCF-style: chr17-31360484-C-G. GRCh37 (hg19) VCF-style: chr17-29687502-C-G.
Other names: c.8098-3C>G (NM_000267.4).
Identifiers: ClinVar variation 816777 (VCV000816777.5), dbSNP rs786203684, ClinGen allele CA915949939.
Genomic context (GRCh38, chr17:31,360,484, plus strand): 5'-GGCTTCAGATGGGGATTTACTTAAAAAAAAGGAACTAAAATAATTTCCTATTTTCCATTA[C>G]AGCAAACACAAATTCCAGACTATGCTGAGCTTATTGTTAAGTTTCTTGATGCCTTGATTG-3'

ClinVar aggregate classification (germline): Conflicting classifications of pathogenicity. Review status: criteria provided, conflicting classifications (1 of 4 stars). 3 submissions from 3 submitters: Pathogenic (2); Uncertain significance (1). Last evaluated 2024-12-23.

Conditions:
Neurofibromatosis, type 1 (NF1). Also called: Peripheral type neurofibromatosis; Neurofibromatosis, type I; NEUROFIBROMATOSIS, TYPE I, SOMATIC; VON RECKLINGHAUSEN DISEASE. Identifiers: Orphanet 636, MedGen C0027831, MONDO:0018975, OMIM 162200. Disease mechanism: loss of function.

Submissions (3):

GeneDx
Classification: Pathogenic. Last evaluated: 2024-12-23. Review status: criteria provided, single submitter. Criteria: GeneDx Variant Classification Process June 2021. Collection method: clinical testing. Allele origin: germline. Affected: yes.
Comment: Non-canonical splice site variant demonstrated to result in loss of function (PMID: 32126153); Not observed at significant frequency in large population cohorts (gnomAD); This variant is associated with the following publications: (PMID: 32126153)

Labcorp Genetics (formerly Invitae), Labcorp
Classification: Uncertain significance for Neurofibromatosis, type 1. Last evaluated: 2024-11-24. Review status: criteria provided, single submitter. Criteria: Invitae Variant Classification Sherloc (09022015). Collection method: clinical testing. Allele origin: germline.
Comment: This sequence change falls in intron 55 of the NF1 gene. It does not directly change the encoded amino acid sequence of the NF1 protein. It affects a nucleotide within the consensus splice site. This variant is not present in population databases (gnomAD no frequency). This variant has been observed in individual(s) with NF1-related conditions (PMID: 32126153). ClinVar contains an entry for this variant (Variation ID: 816777). Variants that disrupt the consensus splice site are a relatively common cause of aberrant splicing (PMID: 17576681, 9536098). Algorithms developed to predict the effect of sequence changes on RNA splicing suggest that this variant may disrupt the consensus splice site. In summary, the available evidence is currently insufficient to determine the role of this variant in disease. Therefore, it has been classified as a Variant of Uncertain Significance.

UAB Medical Genomics Laboratory, UAB Medicine
Classification: Pathogenic for Neurofibromatosis, type 1. Last evaluated: 2020-01-20. Review status: criteria provided, single submitter. Criteria: ACMG Guidelines, 2015. Collection method: clinical testing. Allele origin: germline. Affected: yes.

Literature cited by the submitters: PubMed 32126153 (cited by Labcorp Genetics (formerly Invitae), Labcorp and UAB Medical Genomics Laboratory, UAB Medicine); PubMed 17576681 (cited by Labcorp Genetics (formerly Invitae), Labcorp); PubMed 9536098 (cited by Labcorp Genetics (formerly Invitae), Labcorp).